The following is an entry in ClinVar:

ClinVar aggregate classification (germline): Pathogenic/Likely pathogenic. Review status: criteria provided, multiple submitters, no conflicts (2 of 4 stars). 7 submissions from 7 submitters: Pathogenic (3); Likely pathogenic (4). Last evaluated 2025-09-03.

Conditions:
SGSH-related disorder. Also called: SGSH-related condition.
Mucopolysaccharidosis, MPS-III-A (MPS3A). Also called: MPS III A; Mucopolysaccharidosis type IIIA (Sanfilippo A); HEPARAN SULFATE SULFATASE DEFICIENCY; SANFILIPPO SYNDROME A; SULFAMIDASE DEFICIENCY; Mucopolysaccharidosis, type IIIA. Identifiers: Orphanet 581, Orphanet 79269, MedGen C0086647, MONDO:0009655, OMIM 252900.

Submissions (7):

Natera, Inc.
Classification: Likely pathogenic for Mucopolysaccharidosis type IIIA. Last evaluated: 2025-09-03. Review status: criteria provided, single submitter. Criteria: Natera Variant Classification Schema (03/2026). Collection method: clinical testing. Allele origin: germline.
Comment: The c.757del variant in SGSH is a frameshift variant predicted to shift the reading frame beginning at codon 253 and leads to a stop codon 11 codons downstream. This variant is expected to result in nonsense mediated decay, truncation, or a dysfunctional protein product. This variant is rare in the general population with a frequency below the threshold expected for the associated phenotype(s). Given the available evidence, this variant is classified as Likely Pathogenic.

PreventionGenetics, part of Exact Sciences
Classification: Likely pathogenic for SGSH-related condition. Last evaluated: 2025-04-08. Review status: criteria provided, single submitter. Criteria: ACMG Guidelines, 2015. Collection method: clinical testing. Allele origin: germline.
Comment: The SGSH c.757delG variant is predicted to result in a frameshift and premature protein termination (p.Val253Cysfs*11). To our knowledge, this variant has not been reported in the literature. This variant is reported in 0.0060% of alleles in individuals of Latino descent in gnomAD. Frameshift variant in SGSH are known to be pathogenic. This variant is interpreted as likely pathogenic.

GeneDx
Classification: Pathogenic. Last evaluated: 2025-03-28. Review status: criteria provided, single submitter. Criteria: GeneDx Variant Classification Process June 2021. Collection method: clinical testing. Allele origin: germline. Affected: yes.
Comment: Has not been previously published as pathogenic or benign to our knowledge; Frameshift variant predicted to result in protein truncation or nonsense mediated decay in a gene for which loss-of-function is a known mechanism of disease; Not observed at significant frequency in large population cohorts (gnomAD)

Fulgent Genetics
Classification: Likely pathogenic for Mucopolysaccharidosis, MPS-III-A. Last evaluated: 2024-06-17. Review status: criteria provided, single submitter. Criteria: ACMG Guidelines, 2015. Collection method: clinical testing. Allele origin: germline.

Labcorp Genetics (formerly Invitae), Labcorp
Classification: Pathogenic for Mucopolysaccharidosis, MPS-III-A. Last evaluated: 2024-03-11. Review status: criteria provided, single submitter. Criteria: Invitae Variant Classification Sherloc (09022015). Collection method: clinical testing. Allele origin: germline.
Comment: This sequence change creates a premature translational stop signal (p.Val253Cysfs*11) in the SGSH gene. It is expected to result in an absent or disrupted protein product. Loss-of-function variants in SGSH are known to be pathogenic (PMID: 11182930, 21204211, 22976768). This variant is present in population databases (rs760281672, gnomAD 0.006%). This variant has not been reported in the literature in individuals affected with SGSH-related conditions. ClinVar contains an entry for this variant (Variation ID: 1069492). For these reasons, this variant has been classified as Pathogenic.

Baylor Genetics
Classification: Pathogenic for Mucopolysaccharidosis, MPS-III-A. Last evaluated: 2023-10-03. Review status: criteria provided, single submitter. Criteria: ACMG Guidelines, 2015. Collection method: clinical testing. Allele origin: unknown.

Blueprint Genetics
Classification: Likely pathogenic for SGSH-related disorders. Last evaluated: 2022-06-13. Review status: criteria provided, single submitter. Criteria: ACMG Guidelines, 2015. Collection method: clinical testing. Allele origin: germline. Affected: yes. Observed: 1 variant allele.

Literature cited by the submitters: PubMed 11182930 (cited by Labcorp Genetics (formerly Invitae), Labcorp); PubMed 21204211 (cited by Labcorp Genetics (formerly Invitae), Labcorp); PubMed 22976768 (cited by Labcorp Genetics (formerly Invitae), Labcorp).

NM_000199.5(SGSH):c.757del (p.Val253fs)

Gene: SGSH (N-sulfoglucosamine sulfohydrolase; minus strand). Cytogenetic location: 17q25.3.
Variant type: Deletion.
Coding change: c.757del on transcript NM_000199.5 (MANE Select); coding-DNA position 757, one base deleted (G; older notation c.757delG).
Protein change: p.Val253fs; shifts the reading frame from valine 253.
Molecular consequence: frameshift variant. On other transcripts: non-coding transcript variant (1).
Genome position (GRCh38, 1-based): chr17:80,212,263, C deleted on the plus strand (G on the coding strand, the reverse complement: SGSH is on the minus strand); the first of 2 consecutive C bases (chr17:80,212,263-80,212,264); deleting either gives the same sequence. VCF-style (leftmost placement, unchanged base first): chr17-80212262-AC-A. GRCh37 (hg19) VCF-style: chr17-78186061-AC-A.
Other names: c.757del, p.Val253fs (NM_001352921.3, NM_001352922.2); c.757del (NM_000199.4); c.757delG (NM_000199.3); short protein forms V253fs.
Identifiers: ClinVar variation 1069492 (VCV001069492.15), dbSNP rs760281672, ClinGen allele CA8817783.